The following is an entry in ClinVar:

NM_000492.4(CFTR):c.1954C>T (p.Gln652Ter)

Gene: CFTR (CF transmembrane conductance regulator; plus strand). Cytogenetic location: 7q31.2.
Variant type: single nucleotide variant.
Coding change: c.1954C>T on transcript NM_000492.4 (MANE Select); coding-DNA position 1954, C replaced by T.
Protein change: p.Gln652Ter; replaces glutamine 652 with a stop codon.
Molecular consequence: nonsense.
Genome position (GRCh38, 1-based): chr7:117,592,121, C>T. VCF-style: chr7-117592121-C-T. GRCh37 (hg19) VCF-style: chr7-117232175-C-T.
Other names: short protein forms Q652*.
Identifiers: ClinVar variation 3832548 (VCV003832548.1).

ClinVar aggregate classification (germline): Pathogenic (1 of 4 stars; one submission).

Conditions:
Cystic fibrosis (CF). Also called: MUCOVISCIDOSIS. Identifiers: Orphanet 586, MedGen C0010674, MONDO:0009061, OMIM 219700. Disease mechanism: loss of function.

Submission:

Ambry Genetics
Classification: Pathogenic for Cystic fibrosis. Last evaluated: 2024-12-31. Review status: criteria provided, single submitter. Criteria: Ambry Variant Classification Scheme 2023. Collection method: clinical testing. Allele origin: germline.
Comment: The p.Q652* pathogenic mutation (also known as c.1954C>T), located in coding exon 14 of the CFTR gene, results from a C to T substitution at nucleotide position 1954. This changes the amino acid from a glutamine to a stop codon within coding exon 14. This variant is considered to be rare based on population cohorts in the Genome Aggregation Database (gnomAD). This alteration is expected to result in loss of function by premature protein truncation or nonsense-mediated mRNA decay. As such, this alteration is interpreted as a disease-causing mutation.